The following is an entry in ClinVar:

ClinVar aggregate classification (germline): Uncertain significance (1 of 4 stars; one submission).

Conditions:
Ehlers-Danlos syndrome, dermatosparaxis type. Also called: EDS VIIC; Dermatosparaxis; Ehlers-Danlos syndrome, type VII, autosomal recessive. Identifiers: Orphanet 1901, MedGen C2700425, MONDO:0009161, OMIM 225410.

Allele frequency attached by ClinVar (database versions not stated): TOPMed below 0.00001.

Submission:

Labcorp Genetics (formerly Invitae), Labcorp
Classification: Uncertain significance for Ehlers-Danlos syndrome, dermatosparaxis type. Last evaluated: 2022-04-24. Review status: criteria provided, single submitter. Criteria: Invitae Variant Classification Sherloc (09022015). Collection method: clinical testing. Allele origin: germline.
Comment: This sequence change replaces proline, which is neutral and non-polar, with leucine, which is neutral and non-polar, at codon 95 of the ADAMTS2 protein (p.Pro95Leu). This variant is not present in population databases (gnomAD no frequency). This variant has not been reported in the literature in individuals affected with ADAMTS2-related conditions. Algorithms developed to predict the effect of missense changes on protein structure and function output the following: SIFT: "Deleterious"; PolyPhen-2: "Benign"; Align-GVGD: "Class C0". The leucine amino acid residue is found in multiple mammalian species, which suggests that this missense change does not adversely affect protein function. In summary, the available evidence is currently insufficient to determine the role of this variant in disease. Therefore, it has been classified as a Variant of Uncertain Significance.

NM_014244.5(ADAMTS2):c.284C>T (p.Pro95Leu)

Gene: ADAMTS2 (ADAM metallopeptidase with thrombospondin type 1 motif 2; minus strand). Cytogenetic location: 5q35.3.
Variant type: single nucleotide variant.
Coding change: c.284C>T on transcript NM_014244.5 (MANE Select); coding-DNA position 284, C replaced by T.
Protein change: p.Pro95Leu; replaces proline 95 with leucine.
Molecular consequence: missense variant.
Genome position (GRCh38, 1-based): chr5:179,344,017, G>A on the plus strand (C>T on the coding strand, the complement: ADAMTS2 is on the minus strand). VCF-style: chr5-179344017-G-A. GRCh37 (hg19) VCF-style: chr5-178771018-G-A.
Other names: c.284C>T, p.Pro95Leu (NM_021599.4); short protein forms P95L.
Identifiers: ClinVar variation 2148904 (VCV002148904.1), dbSNP rs1389287935, ClinGen allele CA362623099.